The following is an entry in ClinVar:

ClinVar aggregate classification (germline): Uncertain significance. Review status: criteria provided, multiple submitters, no conflicts (2 of 4 stars). 3 submissions from 3 submitters: Uncertain significance (2). 1 of the submissions does not count toward it. Last evaluated 2026-01-26.

Conditions:
GATA5-related disorder. Also called: GATA5-related condition.
Congenital heart defects, multiple types, 5. Identifiers: MedGen C4693563, MONDO:0060663, OMIM 617912.

Allele frequency attached by ClinVar (database versions not stated): gnomAD exomes 0.00001; TOPMed 0.00002; gnomAD 0.00003 and 0.00004; ExAC 0.00005.
gnomAD v4.1: 17 of 1,553,048 alleles (0.0011%); highest among the groups gnomAD compares: South Asian, 0.0059%; no homozygotes.

Submissions (3):

Laboratorio de Genetica e Diagnostico Molecular, Hospital Israelita Albert Einstein
Classification: Uncertain significance for Congenital heart defects, multiple types, 5. Last evaluated: 2026-01-26. Review status: criteria provided, single submitter. Criteria: ACMG Guidelines, 2015. Collection method: clinical testing. Allele origin: germline. Affected: yes.
Comment: ACMG classification criteria: PM2 supporting, PP3 supporting

Labcorp Genetics (formerly Invitae), Labcorp
Classification: Uncertain significance. Last evaluated: 2024-02-13. Review status: criteria provided, single submitter. Criteria: Invitae Variant Classification Sherloc (09022015). Collection method: clinical testing. Allele origin: germline.
Comment: This sequence change replaces arginine, which is basic and polar, with histidine, which is basic and polar, at codon 238 of the GATA5 protein (p.Arg238His). The frequency data for this variant in the population databases is considered unreliable, as metrics indicate poor data quality at this position in the gnomAD database. This variant has not been reported in the literature in individuals affected with GATA5-related conditions. ClinVar contains an entry for this variant (Variation ID: 1426550). Advanced modeling of protein sequence and biophysical properties (such as structural, functional, and spatial information, amino acid conservation, physicochemical variation, residue mobility, and thermodynamic stability) performed at Invitae indicates that this missense variant is expected to disrupt GATA5 protein function with a positive predictive value of 80%. In summary, the available evidence is currently insufficient to determine the role of this variant in disease. Therefore, it has been classified as a Variant of Uncertain Significance.

PreventionGenetics, part of Exact Sciences
Classification: Uncertain significance for GATA5-related condition. Last evaluated: 2024-04-24. Review status: no assertion criteria provided. Collection method: clinical testing. Allele origin: germline. Not counted in ClinVar's aggregate classification.
Comment: The GATA5 c.713G>A variant is predicted to result in the amino acid substitution p.Arg238His. To our knowledge, this variant has not been reported in the literature. This variant is reported in 0.0043% of alleles in individuals of South Asian descent in gnomAD. At this time, the clinical significance of this variant is uncertain due to the absence of conclusive functional and genetic evidence.

NM_080473.5(GATA5):c.713G>A (p.Arg238His)

Gene: GATA5 (GATA binding protein 5; minus strand). Cytogenetic location: 20q13.33.
Variant type: single nucleotide variant.
Coding change: c.713G>A on transcript NM_080473.5 (MANE Select); coding-DNA position 713, G replaced by A.
Protein change: p.Arg238His; replaces arginine 238 with histidine.
Molecular consequence: missense variant.
Genome position (GRCh38, 1-based): chr20:62,466,538, C>T on the plus strand (G>A on the coding strand, the complement: GATA5 is on the minus strand). VCF-style: chr20-62466538-C-T. GRCh37 (hg19) VCF-style: chr20-61041594-C-T.
Other names: c.713G>A (NM_080473.4); short protein forms R238H.
Identifiers: ClinVar variation 1426550 (VCV001426550.8), dbSNP rs782042308, ClinGen allele CA9946213.
Genomic context (GRCh38, chr20:62,466,538, plus strand): 5'-GAGTTCCGCCGCCACAGCGTGGTGTTGGTCGTGTGGCAGTTGGTGCAGCAGAGGCCGGCG[C>T]GGCGGGACGAGGACTGTGGGGGCGAGGGAGACTGGAGTGAGCCCCGGGCCGGGTGCGCGG-3'
Protein context (NP_536721.1, residues 228-248): RPQKRLSSSR[Arg238His]AGLCCTNCHT